The following is an entry in ClinVar:

ClinVar aggregate classification (germline): Conflicting classifications of pathogenicity. Review status: criteria provided, conflicting classifications (1 of 4 stars). 4 submissions from 4 submitters: Uncertain significance (3); Likely benign (1). Last evaluated 2026-04-08.

Conditions:
Hereditary cancer-predisposing syndrome. Also called: Tumor predisposition; Neoplastic Syndromes, Hereditary; Hereditary neoplastic syndrome; Hereditary Cancer Syndrome. Identifiers: Orphanet 140162, MedGen C0027672, MeSH D009386, MONDO:0015356.
Intellectual disability, autosomal dominant 16 (CSS4). Also called: COFFIN-SIRIS SYNDROME 4. Identifiers: Orphanet 1465, MedGen C3553249, MONDO:0013821, OMIM 614609.
Rhabdoid tumor predisposition syndrome 2 (RTPS2). Identifiers: Orphanet 231108, Orphanet 69077, MedGen C2750074, MONDO:0013224, OMIM 613325.

Allele frequency attached by ClinVar (database versions not stated): gnomAD exomes below 0.00001; TOPMed 0.00001.
gnomAD v4.1: 3 of 1,613,170 alleles (0.00019%); highest among the groups gnomAD compares: Admixed American, 0.0017%; no homozygotes.

Submissions (4):

Ambry Genetics
Classification: Uncertain significance for Hereditary cancer-predisposing syndrome. Last evaluated: 2026-04-08. Review status: criteria provided, single submitter. Criteria: Ambry Variant Classification Scheme 2023. Collection method: clinical testing. Allele origin: germline.
Comment: The c.860-3C>T intronic variant results from a C to T substitution 3 nucleotides upstream from coding exon 5 in the SMARCA4 gene. This variant was detected as heterozygous in individual(s) with no reported features of Coffin-Siris syndrom (Ambry internal data). This nucleotide position is well conserved in available vertebrate species. In silico splice site analysis predicts that this alteration will not have any significant effect on splicing. Based on the supporting evidence, the association of this variant with rhabdoid tumor predisposition syndrome is unknown; however, the association of this variant with Coffin-Siris syndrome is unlikely.

Labcorp Genetics (formerly Invitae), Labcorp
Classification: Likely benign for Rhabdoid tumor predisposition syndrome 2. Last evaluated: 2024-12-02. Review status: criteria provided, single submitter. Criteria: Invitae Variant Classification Sherloc (09022015). Collection method: clinical testing. Allele origin: germline.

Genome-Nilou Lab
Classification: Uncertain significance for Intellectual disability, autosomal dominant 16. Last evaluated: 2021-07-15. Review status: criteria provided, single submitter. Criteria: ACMG Guidelines, 2015. Collection method: clinical testing. Allele origin: germline. Affected: no.

GeneDx
Classification: Uncertain significance. Last evaluated: 2021-03-31. Review status: criteria provided, single submitter. Criteria: GeneDx Variant Classification Process June 2021. Collection method: clinical testing. Allele origin: germline. Affected: yes.
Comment: In silico analysis supports that this variant does not alter splicing; Has not been previously published as pathogenic or benign to our knowledge

NM_003072.5(SMARCA4):c.860-3C>T

Gene: SMARCA4 (SWI/SNF related BAF chromatin remodeling complex subunit ATPase 4; plus strand). Cytogenetic location: 19p13.2.
Variant type: single nucleotide variant.
Coding change: c.860-3C>T on transcript NM_003072.5 (MANE Select); 3 bases into the intron before coding-DNA position 860, C replaced by T.
Molecular consequence: intron variant.
Genome position (GRCh38, 1-based): chr19:10,987,663, C>T. VCF-style: chr19-10987663-C-T. GRCh37 (hg19) VCF-style: chr19-11098339-C-T.
Other names: c.860-3C>T (NM_001128844.3, NM_001128849.3, NM_001128847.4 and 4 more transcripts).
Identifiers: ClinVar variation 822601 (VCV000822601.19), dbSNP rs1158136597, ClinGen allele CA632115176.